The following is an entry in ClinVar:

NM_006073.4(TRDN):c.90A>T (p.Lys30Asn)

Gene: TRDN (triadin; minus strand). Cytogenetic location: 6q22.31.
Variant type: single nucleotide variant.
Coding change: c.90A>T on transcript NM_006073.4 (MANE Select); coding-DNA position 90, A replaced by T.
Protein change: p.Lys30Asn; replaces lysine 30 with asparagine.
Molecular consequence: missense variant.
Genome position (GRCh38, 1-based): chr6:123,571,065, T>A on the plus strand (A>T on the coding strand, the complement: TRDN is on the minus strand). VCF-style: chr6-123571065-T-A. GRCh37 (hg19) VCF-style: chr6-123892210-T-A.
Other names: c.90A>T, p.Lys30Asn (NM_001251987.2, NM_001256020.2, NM_001256021.2 and 1 more transcripts); short protein forms K30N.
Identifiers: ClinVar variation 1419671 (VCV001419671.47), dbSNP rs2114537932, ClinGen allele CA365569310.
Genomic context (GRCh38, chr6:123,571,065, plus strand): 5'-CCAGGCTGCAGGGGAGCTGAACGTCGTCACTATGTCTTCTGTGACTGTCCTCTTCAGCAC[T>A]TTTCCGGGGGATTTGGGCACAGATCCATTTTTGCTGTCTATCACAGTTGTGGTTGTAGAT-3'
Protein context (NP_006064.2, residues 20-40): KNGSVPKSPG[Lys30Asn]VLKRTVTEDI

ClinVar aggregate classification (germline): Uncertain significance (1 of 4 stars; one submission).

Conditions:
Catecholaminergic polymorphic ventricular tachycardia 1. Also called: RYR2-Related Catecholaminergic Polymorphic Ventricular Tachycardia; VENTRICULAR TACHYCARDIA, STRESS-INDUCED POLYMORPHIC 1; VENTRICULAR TACHYCARDIA, CATECHOLAMINERGIC POLYMORPHIC, 1, WITH OR WITHOUT ATRIAL DYSFUNCTION AND/OR DILATED CARDIOMYOPATHY. Identifiers: Orphanet 3286, MedGen C1631597, MONDO:0011484, OMIM 604772.

Submission:

Labcorp Genetics (formerly Invitae), Labcorp
Classification: Uncertain significance for Catecholaminergic polymorphic ventricular tachycardia 1. Last evaluated: 2021-06-23. Review status: criteria provided, single submitter. Criteria: Invitae Variant Classification Sherloc (09022015). Collection method: clinical testing. Allele origin: germline.
Comment: This sequence change replaces lysine with asparagine at codon 30 of the TRDN protein (p.Lys30Asn). The lysine residue is moderately conserved and there is a moderate physicochemical difference between lysine and asparagine. This variant is not present in population databases (ExAC no frequency). This variant has not been reported in the literature in individuals with TRDN-related conditions. Algorithms developed to predict the effect of missense changes on protein structure and function are either unavailable or do not agree on the potential impact of this missense change (SIFT: "Deleterious"; PolyPhen-2: "Not Available"; Align-GVGD: "Class C0"). In summary, the available evidence is currently insufficient to determine the role of this variant in disease. Therefore, it has been classified as a Variant of Uncertain Significance.